The following is an entry in ClinVar:

ClinVar aggregate classification (germline): Conflicting classifications of pathogenicity. Review status: criteria provided, conflicting classifications (1 of 4 stars). 3 submissions from 3 submitters: Likely pathogenic (1); Uncertain significance (1). 1 of the submissions does not count toward it. Last evaluated 2018-03-15.

Submissions (3):

GeneDx
Classification: Likely pathogenic. Last evaluated: 2018-03-15. Review status: criteria provided, single submitter. Criteria: GeneDx Variant Classification (06012015). Collection method: clinical testing. Allele origin: germline. Affected: yes.
Comment: The c.37_48dup12 variant in the TRMU gene has not been reported previously as a pathogenic variant, nor as a benign variant, to our knowledge. This variant causes an in-frame duplication of four amino acids, denoted p.Gly13_Asp16dup. The c.37_48dup12 variant is not observed at a significant frequency in large population cohorts (Lek et al., 2016). We interpret c.37_48dup12 as a likely pathogenic variant.

Eurofins Ntd Llc (ga)
Classification: Uncertain significance. Last evaluated: 2017-04-20. Review status: criteria provided, single submitter. Criteria: EGL Classification Definitions. Collection method: clinical testing. Allele origin: germline. Observed: 1 variant allele, 1 heterozygote.

Mayo Clinic Laboratories, Mayo Clinic
Classification: Uncertain significance. Last evaluated: 2017-08-08. Review status: no assertion criteria provided. Collection method: clinical testing. Allele origin: unknown. Not counted in ClinVar's aggregate classification.

NM_001849.4(COL6A2):c.2593_2608dup (p.Asp870fs)

Gene: COL6A2 (collagen type VI alpha 2 chain; plus strand). Cytogenetic location: 21q22.3.
Variant type: Duplication.
Coding change: c.2593_2608dup on transcript NM_001849.4 (MANE Select); coding-DNA positions 2593 to 2608, 16 bases duplicated (CTGGCCCGGAGGGACG).
Protein change: p.Asp870fs; shifts the reading frame from aspartic acid 870.
Molecular consequence: frameshift variant.
Genome position (GRCh38, 1-based): chr21:46,132,085-46,132,100, CTGGCCCGGAGGGACG duplicated; duplicating any 16 consecutive bases within chr21:46,132,081-46,132,100 gives the same sequence; the c. name uses the placement nearest the transcript's 3' end. VCF-style (leftmost placement, unchanged base first): chr21-46132080-T-TGACGCTGGCCCGGAGG. GRCh37 (hg19) VCF-style: chr21-47551994-T-TGACGCTGGCCCGGAGG.
Other names: c.37_48dupGGCGGCGTGGAC (NM_018006.4); short protein forms D870fs.
Identifiers: ClinVar variation 215295 (VCV000215295.14), dbSNP rs1555877258, ClinGen allele CA10604575.